The following is an entry in ClinVar:

NM_001379659.1(ZNF142):c.4926T>C (p.His1642=)

Gene: ZNF142 (zinc finger protein 142; minus strand). Cytogenetic location: 2q35.
Variant type: single nucleotide variant.
Coding change: c.4926T>C on transcript NM_001379659.1 (MANE Select); coding-DNA position 4926, T replaced by C.
Protein change: p.His1642=; no amino-acid change (histidine 1642 retained).
Molecular consequence: synonymous variant.
Genome position (GRCh38, 1-based): chr2:218,642,190, A>G on the plus strand (T>C on the coding strand, the complement: ZNF142 is on the minus strand). VCF-style: chr2-218642190-A-G. GRCh37 (hg19) VCF-style: chr2-219506913-A-G.
Other names: c.4326T>C, p.His1442= (NM_001105537.5, NM_001366291.3, NM_001379662.1); c.3837T>C, p.His1279= (NM_001366287.3, NM_001366288.3, NM_001366289.3); c.4926T>C, p.His1642= (NM_001366290.3, NM_001379660.1, NM_001379661.1).
Identifiers: ClinVar variation 4872214 (VCV004872214.2).

ClinVar aggregate classification (germline): Likely benign (1 of 4 stars; one submission).

Submission:

CeGaT Center for Human Genetics Tuebingen
Classification: Likely benign. Last evaluated: 2026-05-01. Review status: criteria provided, single submitter. Criteria: CeGaT Center For Human Genetics Tuebingen Variant Classification Criteria Version 2. Collection method: clinical testing. Allele origin: germline. Affected: yes. Observed: 1 variant allele.
Comment: ZNF142: BP4, BP7